The following is an entry in ClinVar:

ClinVar aggregate classification (germline): Benign (1 of 4 stars; one submission).

gnomAD v4.1: 466 of 1,289,848 alleles (0.036%); highest among the groups gnomAD compares: African/African-American, 0.6%; 6 homozygotes.

Submission:

CeGaT Center for Human Genetics Tuebingen
Classification: Benign. Last evaluated: 2026-01-01. Review status: criteria provided, single submitter. Criteria: CeGaT Center For Human Genetics Tuebingen Variant Classification Criteria Version 2. Collection method: clinical testing. Allele origin: germline. Affected: yes. Observed: 1 variant allele.
Comment: ANKRD11: BS1, BS2

NM_013275.6(ANKRD11):c.227-550G>A

Gene: ANKRD11 (ankyrin repeat domain 11; minus strand). Cytogenetic location: 16q24.3.
Variant type: single nucleotide variant.
Coding change: c.227-550G>A on transcript NM_013275.6 (MANE Select); 550 bases into the intron before coding-DNA position 227, G replaced by A.
Molecular consequence: intron variant. On other transcripts: non-coding transcript variant (1).
Genome position (GRCh38, 1-based): chr16:89,291,733, C>T on the plus strand (G>A on the coding strand, the complement: ANKRD11 is on the minus strand). VCF-style: chr16-89291733-C-T. GRCh37 (hg19) VCF-style: chr16-89358141-C-T.
Other names: c.227-550G>A (NM_001256183.2, NM_001256182.2).
Identifiers: ClinVar variation 4821151 (VCV004821151.4).